The following is an entry in ClinVar:

ClinVar aggregate classification (germline): Likely benign (0 of 4 stars; one submission).

Conditions:
OTUD1-related disorder. Also called: OTUD1-related condition.

Allele frequency attached by ClinVar (database versions not stated): TOPMed 0.00001; gnomAD 0.00007; 1000 Genomes Project 30x 0.00062; ExAC 0.00172.

Submission:

PreventionGenetics, part of Exact Sciences
Classification: Likely benign for OTUD1-related condition. Last evaluated: 2022-03-21. Review status: no assertion criteria provided. Collection method: clinical testing. Allele origin: germline.
Comment: This variant is classified as likely benign based on ACMG/AMP sequence variant interpretation guidelines (Richards et al. 2015 PMID: 25741868, with internal and published modifications).

NM_001145373.3(OTUD1):c.112C>T (p.Pro38Ser)

Genes: OTUD1 (OTU deubiquitinase 1; plus strand), LOC130003513 (ATAC-STARR-seq lymphoblastoid silent region 2218; plus strand). Cytogenetic location: 10p12.2.
Variant type: single nucleotide variant.
Coding change: c.112C>T on transcript NM_001145373.3 (MANE Select); coding-DNA position 112, C replaced by T.
Protein change: p.Pro38Ser; replaces proline 38 with serine.
Molecular consequence: missense variant.
Genome position (GRCh38, 1-based): chr10:23,439,569, C>T. VCF-style: chr10-23439569-C-T. GRCh37 (hg19) VCF-style: chr10-23728498-C-T.
Other names: short protein forms P38S.
Identifiers: ClinVar variation 3046356 (VCV003046356.2), dbSNP rs777457042, ClinGen allele CA5438941.